The following is an entry in ClinVar:

NM_001386795.1(DTNA):c.1838C>T (p.Pro613Leu)

Gene: DTNA (dystrobrevin alpha; plus strand). Cytogenetic location: 18q12.1.
Variant type: single nucleotide variant.
Coding change: c.1838C>T on transcript NM_001386795.1 (MANE Select); coding-DNA position 1838, C replaced by T.
Protein change: p.Pro613Leu; replaces proline 613 with leucine.
Molecular consequence: missense variant.
Genome position (GRCh38, 1-based): chr18:34,875,333, C>T. VCF-style: chr18-34875333-C-T. GRCh37 (hg19) VCF-style: chr18-32455297-C-T.
Other names: c.1577C>T, p.Pro526Leu (NM_001198938.2, NM_001198940.2, NM_001386763.1 and 5 more transcripts); c.1598C>T, p.Pro533Leu (NM_001198939.2); c.884C>T, p.Pro295Leu (NM_001198942.1); c.1586C>T, p.Pro529Leu (NM_001386761.1, NM_032975.4); c.1583C>T, p.Pro528Leu (NM_001386762.1); c.1574C>T, p.Pro525Leu (NM_001386768.1, NM_001386769.1); c.827C>T, p.Pro276Leu (NM_001198943.1); c.713C>T, p.Pro238Leu (NM_001198944.1); and 5 more; short protein forms P529L, P586L, P533L, P276L, P234L, P238L, P295L, P526L.
Identifiers: ClinVar variation 191654 (VCV000191654.48), dbSNP rs145425478, ClinGen allele CA237169.

ClinVar aggregate classification (germline): Conflicting classifications of pathogenicity. Review status: criteria provided, conflicting classifications (1 of 4 stars). 8 submissions from 8 submitters: Uncertain significance (3); Likely benign (4). 1 of the submissions does not count toward it. Last evaluated 2026-01-11.

Conditions:
Left ventricular noncompaction 1 (LVNC1). Also called: LEFT VENTRICULAR NONCOMPACTION 1 WITH OR WITHOUT CONGENITAL HEART DEFECTS. Identifiers: Orphanet 54260, MedGen C1858725, MONDO:0011403, OMIM 604169.
Hypertrophic cardiomyopathy. Also called: HYPERTROPHIC MYOCARDIOPATHY. Identifiers: Orphanet 217569, MedGen C0007194, MeSH D002312, MONDO:0005045, HP:0001639.

Allele frequency attached by ClinVar (database versions not stated): gnomAD 0.00003; ExAC 0.00013; TOPMed 0.00014; gnomAD exomes 0.00015; ESP Exome Variant Server 0.00038.
gnomAD v4.1: 166 of 1,614,086 alleles (0.01%); highest among the groups gnomAD compares: Middle Eastern, 0.016%; 1 homozygote.

Submissions (8):

Labcorp Genetics (formerly Invitae), Labcorp
Classification: Uncertain significance for Left ventricular noncompaction 1. Last evaluated: 2026-01-11. Review status: criteria provided, single submitter. Criteria: Invitae Variant Classification Sherloc (09022015). Collection method: clinical testing. Allele origin: germline.
Comment: This sequence change replaces proline, which is neutral and non-polar, with leucine, which is neutral and non-polar, at codon 586 of the DTNA protein (p.Pro586Leu). This variant is present in population databases (rs145425478, gnomAD 0.02%). This missense change has been observed in individual(s) with hypertrophic cardiomyopathy (PMID: 31568572). ClinVar contains an entry for this variant (Variation ID: 191654). An algorithm developed to predict the effect of missense changes on protein structure and function (PolyPhen-2) suggests that this variant is likely to be disruptive. In summary, the available evidence is currently insufficient to determine the role of this variant in disease. Therefore, it has been classified as a Variant of Uncertain Significance.

CeGaT Center for Human Genetics Tuebingen
Classification: Likely benign. Last evaluated: 2025-08-01. Review status: criteria provided, single submitter. Criteria: CeGaT Center For Human Genetics Tuebingen Variant Classification Criteria Version 2. Collection method: clinical testing. Allele origin: germline. Affected: yes. Observed: 3 variant alleles.
Comment: DTNA: BS2

Blueprint Genetics
Classification: Likely benign. Last evaluated: 2024-01-11. Review status: criteria provided, single submitter. Criteria: ACMG Guidelines, 2015. Collection method: clinical testing. Allele origin: germline.

Women's Health and Genetics/Laboratory Corporation of America, LabCorp
Classification: Likely benign. Last evaluated: 2021-07-06. Review status: criteria provided, single submitter. Criteria: LabCorp Variant Classification Summary - May 2015. Collection method: clinical testing. Allele origin: germline.
Comment: Variant summary: DTNA c.1757C>T (p.Pro586Leu) results in a non-conservative amino acid change in the encoded protein sequence. Four of five in-silico tools predict a damaging effect of the variant on protein function. The variant allele was found at a frequency of 0.00015 in 251306 control chromosomes, predominantly at a frequency of 0.00026 within the Non-Finnish European subpopulation in the gnomAD database. The observed variant frequency within Non-Finnish European control individuals in the gnomAD database is approximately 10 fold of the estimated maximal expected allele frequency for a pathogenic variant in DTNA causing Cardiomyopathy phenotype (2.5e-05), strongly suggesting that the variant is a benign polymorphism found primarily in populations of Non-Finnish European origin. c.1757C>T has been reported in the literature without strong evidence for pathogenicity (example: Campuzano_2018, Kuhnisch_2019). These reports therefore, do not provide unequivocal conclusions about association of the variant with Cardiomyopathy. To our knowledge, no experimental evidence demonstrating an impact on protein function has been reported. Two ClinVar submitters (evaluation after 2014) cite the variant as likely benign (n=1) or uncertain significance (n=1). Based on the evidence outlined above, the variant was classified as likely benign.

Revvity Omics, Revvity
Classification: Uncertain significance for Left ventricular noncompaction 1. Last evaluated: 2020-12-07. Review status: criteria provided, single submitter. Criteria: ACMG Guidelines, 2015. Collection method: clinical testing. Allele origin: germline.

Center for Advanced Laboratory Medicine, UC San Diego Health, University of California San Diego
Classification: Likely benign for Hypertrophic cardiomyopathy. Last evaluated: 2019-05-09. Review status: criteria provided, single submitter. Criteria: ACMG Guidelines, 2015. Collection method: clinical testing. Allele origin: germline. Affected: yes. Observed: 1 variant allele.

Biesecker Lab/Clinical Genomics Section, National Institutes of Health
Classification: Uncertain significance. Last evaluated: 2013-06-24. Review status: criteria provided, single submitter. Criteria: Ng et al. (Circ Cardiovasc Genet. 2013). Collection method: research. Allele origin: unknown. Observed: 1 variant allele. Study: ClinSeq.
Comment: The study set was not selected for affection status in relation to any cancer. Pathogenicity categories were based on literature curation. See Pubmed ID:23861362 for details.

Medical sequencing

Department of Pathology and Laboratory Medicine, Sinai Health System
Classification: Uncertain significance. Review status: no assertion criteria provided. Collection method: clinical testing. Allele origin: unknown. Affected: yes. Study: The Canadian Open Genetics Repository (COGR). Not counted in ClinVar's aggregate classification.
Comment: The DTNA p.Pro586Leu variant was identified in 1 of 310 proband chromosomes (frequency: 0.0032) from European individuals or families with SIDS (Neubauer_2017_PMID:28074886). The variant was also identified in dbSNP (ID: rs145425478), ClinVar (alias c.1586C>T classified as a VUS by Biesecker Lab/Human Development Section and National Institutes of Health), and LOVD 3.0 databases. The variant was not identified in Cosmic, however it was found in control databases in 34 of 246090 chromosomes at a frequency of 0.000138 (Genome Aggregation Database Feb 27, 2017). The variant was observed in the following populations: European (Finnish) in 4 of 22298 chromosomes (freq: 0.000179), European (Non-Finnish) in 26 of 111586 chromosomes (freq: 0.000233), Latino in 3 of 33574 chromosomes (freq: 0.000089), South Asian in 1 of 30780 chromosomes (freq: 0.000032), while the variant was not observed in the African, Ashkenazi Jewish, East Asian, and Other populations. The variant occurs outside of the splicing consensus sequence and 3 of 4 in silico or computational prediction software programs (SpliceSiteFinder, MaxEntScan, NNSPLICE) do not predict a difference in splicing. The p.Pro586 residue is conserved in mammals but not in more distantly related organisms, and four out of five computational analyses (PolyPhen-2, SIFT, BLOSUM, MutationTaster) suggest that the P variant may impact the protein; however, this information is not predictive enough to assume pathogenicity. In summary, based on the above information the clinical significance of this variant cannot be determined with certainty at this time. This variant is classified as a variant of uncertain significance.

Literature cited by the submitters: PubMed 31568572 (cited by Labcorp Genetics (formerly Invitae), Labcorp and Women's Health and Genetics/Laboratory Corporation of America, LabCorp); PubMed 30086531 (cited by Women's Health and Genetics/Laboratory Corporation of America, LabCorp).